The following is an entry in ClinVar:

ClinVar aggregate classification (germline): Uncertain significance. Review status: criteria provided, multiple submitters, no conflicts (2 of 4 stars). 2 submissions from 2 submitters: Uncertain significance (2). Last evaluated 2025-11-05.

Conditions:
Inborn genetic diseases. Identifiers: MedGen C0950123, MeSH D030342.

Allele frequency attached by ClinVar (database versions not stated): gnomAD exomes 0.00003; ExAC 0.00012; gnomAD 0.00029; TOPMed 0.00040; 1000 Genomes Project 0.00080; 1000 Genomes Project 30x 0.00094.
gnomAD v4.1: 86 of 1,497,300 alleles (0.0057%); highest among the groups gnomAD compares: African/African-American, 0.1%; no homozygotes.

Submissions (2):

Labcorp Genetics (formerly Invitae), Labcorp
Classification: Uncertain significance. Last evaluated: 2025-11-05. Review status: criteria provided, single submitter. Criteria: Invitae Variant Classification Sherloc (09022015). Collection method: clinical testing. Allele origin: germline.
Comment: This sequence change replaces alanine, which is neutral and non-polar, with valine, which is neutral and non-polar, at codon 28 of the ATP5D protein (p.Ala28Val). This variant is present in population databases (rs199988557, gnomAD 0.1%), and has an allele count higher than expected for a pathogenic variant. This variant has not been reported in the literature in individuals affected with ATP5D-related conditions. ClinVar contains an entry for this variant (Variation ID: 2172457). Experimental studies and prediction algorithms are not available or were not evaluated, and the functional significance of this variant is currently unknown. In summary, the available evidence is currently insufficient to determine the role of this variant in disease. Therefore, it has been classified as a Variant of Uncertain Significance.

Ambry Genetics
Classification: Uncertain significance for Inborn genetic diseases. Last evaluated: 2025-10-22. Review status: criteria provided, single submitter. Criteria: Ambry Variant Classification Scheme 2023. Collection method: clinical testing. Allele origin: germline.

NM_001687.5(ATP5F1D):c.83C>T (p.Ala28Val)

Genes: ATP5F1D (ATP synthase F1 subunit delta; plus strand), LOC130062903 (ATAC-STARR-seq lymphoblastoid silent region 9673; plus strand). Cytogenetic location: 19p13.3.
Variant type: single nucleotide variant.
Coding change: c.83C>T on transcript NM_001687.5 (MANE Select); coding-DNA position 83, C replaced by T.
Protein change: p.Ala28Val; replaces alanine 28 with valine.
Molecular consequence: missense variant.
Genome position (GRCh38, 1-based): chr19:1,241,933, C>T. VCF-style: chr19-1241933-C-T. GRCh37 (hg19) VCF-style: chr19-1241932-C-T.
Other names: c.83C>T, p.Ala28Val (NM_001001975.2); c.83C>T (NM_001687.4); short protein forms A28V.
Identifiers: ClinVar variation 2172457 (VCV002172457.5), dbSNP rs199988557, ClinGen allele CA9040196.